The following is an entry in ClinVar:

NM_000361.3(THBD):c.1112G>C (p.Arg371Thr)

Gene: THBD (thrombomodulin; minus strand). Cytogenetic location: 20p11.21.
Variant type: single nucleotide variant.
Coding change: c.1112G>C on transcript NM_000361.3 (MANE Select); coding-DNA position 1112, G replaced by C.
Protein change: p.Arg371Thr; replaces arginine 371 with threonine.
Molecular consequence: missense variant.
Genome position (GRCh38, 1-based): chr20:23,048,393, C>G on the plus strand (G>C on the coding strand, the complement: THBD is on the minus strand). VCF-style: chr20-23048393-C-G. GRCh37 (hg19) VCF-style: chr20-23029030-C-G.
Other names: short protein forms R371T.
Identifiers: ClinVar variation 2968108 (VCV002968108.3), dbSNP rs373493666, ClinGen allele CA313551029.
Genomic context (GRCh38, chr20:23,048,393, plus strand): 5'-GCGCAGACGCAGAGGTAGCTAGTTTGGTTCAGGGGCTGGCACTGGTACTCGCAGTTGGCT[C>G]TGAAGCACGGGTCCACGGGCTCCACACACTCGCCGTCCACCAGGTCGTAGTTAGGGTAGC-3'
Protein context (NP_000352.1, residues 361-381): ECVEPVDPCF[Arg371Thr]ANCEYQCQPL

ClinVar aggregate classification (germline): Uncertain significance (1 of 4 stars; one submission).

Allele frequency attached by ClinVar (database versions not stated): gnomAD 0.00001; gnomAD exomes 0.00001; TOPMed 0.00002; ESP Exome Variant Server 0.00008.
gnomAD v4.1: 23 of 1,613,904 alleles (0.0014%); highest among the groups gnomAD compares: Non-Finnish European, 0.0018%; no homozygotes.

Submission:

Labcorp Genetics (formerly Invitae), Labcorp
Classification: Uncertain significance. Last evaluated: 2023-07-19. Review status: criteria provided, single submitter. Criteria: Invitae Variant Classification Sherloc (09022015). Collection method: clinical testing. Allele origin: germline.
Comment: In summary, the available evidence is currently insufficient to determine the role of this variant in disease. Therefore, it has been classified as a Variant of Uncertain Significance. Advanced modeling of protein sequence and biophysical properties (such as structural, functional, and spatial information, amino acid conservation, physicochemical variation, residue mobility, and thermodynamic stability) performed at Invitae indicates that this missense variant is not expected to disrupt THBD protein function. This variant has not been reported in the literature in individuals affected with THBD-related conditions. This variant is not present in population databases (gnomAD no frequency). This sequence change replaces arginine, which is basic and polar, with threonine, which is neutral and polar, at codon 371 of the THBD protein (p.Arg371Thr).